The following is an entry in ClinVar:

NM_020297.4(ABCC9):c.3036C>T (p.Asp1012=)

Gene: ABCC9 (ATP binding cassette subfamily C member 9; minus strand). Cytogenetic location: 12p12.1.
Variant type: single nucleotide variant.
Coding change: c.3036C>T on transcript NM_020297.4 (MANE Select); coding-DNA position 3036, C replaced by T.
Protein change: p.Asp1012=; no amino-acid change (aspartic acid 1012 retained).
Molecular consequence: synonymous variant.
Genome position (GRCh38, 1-based): chr12:21,845,663, G>A on the plus strand (C>T on the coding strand, the complement: ABCC9 is on the minus strand). VCF-style: chr12-21845663-G-A. GRCh37 (hg19) VCF-style: chr12-21998597-G-A.
Other names: p.Asp1012=; c.3036C>T (NM_005691.3); c.3036C>T, p.Asp1012= (NM_001377273.1, NM_005691.4); c.2169C>T, p.Asp723= (NM_001377274.1).
Identifiers: ClinVar variation 2864638 (VCV002864638.5), dbSNP rs2541079037, ClinGen allele CA478870880.
Genomic context (GRCh38, chr12:21,845,663, plus strand): 5'-CTGATCAGCTTTTCCAGTATTGTTTATACTGTACTCCGATGTCCATGTGGCCAGCCAATA[G>A]TCTATAGCTACAATGACCGAATGCTTCAAAAGCTTAGAGAAAATCATCAGGATGAGCAGG-3'
Protein context (NP_064693.2, residues 1002-1022): LLKHSVIVAI[Asp1012=]YWLATWTSEY

ClinVar aggregate classification (germline): Likely benign. Review status: criteria provided, multiple submitters, no conflicts (2 of 4 stars). 3 submissions from 3 submitters: Likely benign (3). Last evaluated 2026-07-13.

Conditions:
Dilated cardiomyopathy 1O (CMD1O). Also called: CARDIOMYOPATHY, DILATED, WITH VENTRICULAR TACHYCARDIA. Identifiers: Orphanet 154, MedGen C1837839, MONDO:0012062, OMIM 608569.
Cardiovascular phenotype. Identifiers: MedGen CN230736.

Submissions (3):

Ambry Genetics
Classification: Likely benign for Cardiovascular phenotype. Last evaluated: 2026-07-13. Review status: criteria provided, single submitter. Criteria: Ambry Variant Classification Scheme 2023. Collection method: clinical testing. Allele origin: germline.

Mayo Clinic Laboratories, Mayo Clinic
Classification: Likely benign. Last evaluated: 2025-04-08. Review status: criteria provided, single submitter. Criteria: ACMG Guidelines, 2015. Collection method: clinical testing. Allele origin: germline. Observed: 1 variant allele.
Comment: BP4, BP7, PM2_supporting

Labcorp Genetics (formerly Invitae), Labcorp
Classification: Likely benign for Dilated cardiomyopathy 1O. Last evaluated: 2023-02-21. Review status: criteria provided, single submitter. Criteria: Invitae Variant Classification Sherloc (09022015). Collection method: clinical testing. Allele origin: germline.